The following is an entry in ClinVar:

ClinVar aggregate classification (germline): Conflicting classifications of pathogenicity. Review status: criteria provided, conflicting classifications (1 of 4 stars). 8 submissions from 8 submitters: Pathogenic (4); Likely pathogenic (2); Uncertain significance (1). 1 of the submissions does not count toward it. Last evaluated 2026-04-22.

Conditions:
TMX2-related disorder. Also called: TMX2-related condition.
Abnormality of the nervous system. Also called: Congenital nervous system disorder. Identifiers: MedGen C0497552, MONDO:0002320, HP:0000707.
Neurodevelopmental disorder with microcephaly, cortical malformations, and spasticity. Also called: VANDERVORE-SCHOT SYNDROME. Identifiers: MedGen C5231480, MONDO:0032887, OMIM 618730.

Allele frequency attached by ClinVar (database versions not stated): ExAC 0.00001; gnomAD exomes 0.00001 and 0.00004; TOPMed 0.00002; gnomAD 0.00003; ESP Exome Variant Server 0.00008.
gnomAD v4.1: 23 of 1,613,872 alleles (0.0014%); highest among the groups gnomAD compares: South Asian, 0.0022%; no homozygotes.

Submissions (8):

PreventionGenetics, part of Exact Sciences
Classification: Likely pathogenic for TMX2-related condition. Last evaluated: 2026-04-22. Review status: criteria provided, single submitter. Criteria: ACMG Guidelines, 2015. Collection method: clinical testing. Allele origin: germline.
Comment: The TMX2 c.614G>A variant is predicted to result in the amino acid substitution p.Arg205Gln. This variant has been observed in the homozygous state in several families segregating with neurodevelopmental disorder with microcephaly, cortical malformations, and spasticity (Vandervore et al. 2019. PubMed ID: 31735293; reported as c.500G>A (p.Arg205Gln) in Ghosh et al. 2019. PubMed ID: 31586943; Table S2, Abolhassani et al. 2024. PubMed ID: 38374194). RT-PCR and RNA seq studies derived from patients harboring the c.614G>A variant suggest this variant impacts mRNA splicing leading to exon skipping (Vandervore et al. 2019. PubMed ID: 31735293; Table S7, Maddirevula et al. 2020. PubMed ID: 32552793). This variant is reported in 0.0065% of alleles in individuals of South Asian descent in gnomAD. This variant is interpreted as pathogenic, likely pathogenic or uncertain significance in ClinVar (Variation ID: 804370). This variant is interpreted as likely pathogenic.

3billion
Classification: Pathogenic for Neurodevelopmental disorder with microcephaly, cortical malformations, and spasticity. Last evaluated: 2025-11-18. Review status: criteria provided, single submitter. Criteria: ACMG Guidelines, 2015. Collection method: clinical testing. Allele origin: germline. Affected: yes.
Comment: The variant is observed at an extremely low frequency in the gnomAD v4.1.0 dataset (total allele frequency: 0.001%). Predicted Consequence/Location: Missense variant: previously reported to alter splicing (PMID: 31735293). In silico tools predict the variant to alter splicing and produce an abnormal transcript [SpliceAI: 0.78 (spliceogenicity >=0.2, non-spliceogenicity <0.1)]. Missense variant: previously reported to alter splicing (PMID: 31735293). Therefore, this variant is classified as Pathogenic according to the recommendation of ACMG/AMP guideline.

GeneDx
Classification: Pathogenic. Last evaluated: 2024-08-20. Review status: criteria provided, single submitter. Criteria: GeneDx Variant Classification Process June 2021. Collection method: clinical testing. Allele origin: germline. Affected: yes.
Comment: Published functional studies demonstrate that this variant results in impaired splicing (PMID: 31735293); This variant is associated with the following publications: (PMID: 31735293, 32552793, 37644014, 31586943)

CeGaT Center for Human Genetics Tuebingen
Classification: Pathogenic. Last evaluated: 2024-05-01. Review status: criteria provided, single submitter. Criteria: CeGaT Center For Human Genetics Tuebingen Variant Classification Criteria Version 2. Collection method: clinical testing. Allele origin: germline. Affected: yes. Observed: 4 variant alleles.
Comment: TMX2: PP1:Strong, PM2, PM3, PP3, PP4

Genomic Medicine Center of Excellence, King Faisal Specialist Hospital and Research Centre
Classification: Uncertain significance for Neurodevelopmental disorder with microcephaly, cortical malformations, and spasticity. Last evaluated: 2024-03-14. Review status: criteria provided, single submitter. Criteria: ACMG Guidelines, 2015. Collection method: research. Allele origin: germline.

Revvity Omics, Revvity
Classification: Pathogenic for Neurodevelopmental disorder with microcephaly, cortical malformations, and spasticity. Last evaluated: 2022-01-03. Review status: criteria provided, single submitter. Criteria: ACMG Guidelines, 2015. Collection method: clinical testing. Allele origin: germline.

Kariminejad - Najmabadi Pathology & Genetics Center
Classification: Likely pathogenic for Abnormality of the nervous system. Last evaluated: 2021-07-10. Review status: criteria provided, single submitter. Criteria: ACMG Guidelines, 2015. Collection method: clinical testing. Allele origin: germline. Affected: yes.

OMIM
Classification: Pathogenic for NEURODEVELOPMENTAL DISORDER WITH MICROCEPHALY, CORTICAL MALFORMATIONS, AND SPASTICITY. Last evaluated: 2021-02-03. Review status: no assertion criteria provided. Collection method: literature only. Allele origin: germline. Not counted in ClinVar's aggregate classification.

Literature cited by the submitters: PubMed 31735293 (cited by 3billion and OMIM); PubMed 31586943 (cited by OMIM).

NM_015959.4(TMX2):c.614G>A (p.Arg205Gln)

Genes: TMX2 (thioredoxin related transmembrane protein 2; plus strand), TMX2-CTNND1 (TMX2-CTNND1 readthrough (NMD candidate); plus strand). Cytogenetic location: 11q12.1.
Variant type: single nucleotide variant.
Coding change: c.614G>A on transcript NM_015959.4 (MANE Select); coding-DNA position 614, G replaced by A.
Protein change: p.Arg205Gln; replaces arginine 205 with glutamine.
Molecular consequence: missense variant. On other transcripts: non-coding transcript variant (3), intron variant (1).
Genome position (GRCh38, 1-based): chr11:57,739,039, G>A. VCF-style: chr11-57739039-G-A. GRCh37 (hg19) VCF-style: chr11-57506511-G-A.
Other names: TMX2, ARG205GLN (rs370455806); c.500G>A (NM_001144012.2); c.603+11G>A (NM_001347898.2); c.500G>A, p.Arg167Gln (NM_001144012.3); c.614G>A, p.Arg205Gln (NM_001347890.2); c.530G>A, p.Arg177Gln (NM_001347891.2); c.407G>A, p.Arg136Gln (NM_001347892.2); c.332G>A, p.Arg111Gln (NM_001347893.2, NM_001347894.2, NM_001347895.2 and 1 more transcripts); and 1 more; short protein forms R205Q, R167Q, R111Q, R177Q, R136Q.
Identifiers: ClinVar variation 804370 (VCV000804370.62), dbSNP rs370455806, ClinGen allele CA6009679.
Genomic context (GRCh38, chr11:57,739,039, plus strand): 5'-ACTGTACAGGGCTAAATTTTGGGAAGGTGGATGTTGGACGCTATACTGATGTTAGTACGC[G>A]GTATGTAAAGACCTGGGCAGAGGGTCTGAGCAGGGAAATCACTTTGAGTGATACATACAG-3'
Protein context (NP_057043.1, residues 195-215): DVGRYTDVST[Arg205Gln]YKVSTSPLTK